The following is an entry in ClinVar:

ClinVar aggregate classification (germline): Uncertain significance (1 of 4 stars; one submission).

Conditions:
Mucopolysaccharidosis, MPS-III-B (MPS3B). Also called: N-ACETYL-ALPHA-D-GLUCOSAMINIDASE DEFICIENCY; NAGLU DEFICIENCY; SANFILIPPO SYNDROME B; MPS III B; Mucopolysaccharidosis type IIIB (Sanfilippo B); MPS IIIB (Sanfilippo Syndrome Type B). Identifiers: Orphanet 79270, MedGen C0086648, MONDO:0009656, OMIM 252920.
Charcot-Marie-Tooth disease axonal type 2V. Also called: CHARCOT-MARIE-TOOTH NEUROPATHY, TYPE 2V; CHARCOT-MARIE-TOOTH DISEASE, AXONAL, AUTOSOMAL DOMINANT, TYPE 2V. Identifiers: Orphanet 447964, MedGen C5569050, MONDO:0014665, OMIM 616491.

Allele frequency attached by ClinVar (database versions not stated): gnomAD exomes below 0.00001.
gnomAD v4.1: 2 of 1,614,190 alleles (0.00012%); highest among the groups gnomAD compares: Non-Finnish European, 0.00017%; no homozygotes.

Submission:

Labcorp Genetics (formerly Invitae), Labcorp
Classification: Uncertain significance for Charcot-Marie-Tooth disease axonal type 2V; Mucopolysaccharidosis, MPS-III-B. Last evaluated: 2022-08-31. Review status: criteria provided, single submitter. Criteria: Invitae Variant Classification Sherloc (09022015). Collection method: clinical testing. Allele origin: germline.
Comment: This variant is not present in population databases (gnomAD no frequency). This sequence change replaces cysteine, which is neutral and slightly polar, with tyrosine, which is neutral and polar, at codon 273 of the NAGLU protein (p.Cys273Tyr). This variant has not been reported in the literature in individuals affected with NAGLU-related conditions. In summary, the available evidence is currently insufficient to determine the role of this variant in disease. Therefore, it has been classified as a Variant of Uncertain Significance. Advanced modeling of protein sequence and biophysical properties (such as structural, functional, and spatial information, amino acid conservation, physicochemical variation, residue mobility, and thermodynamic stability) performed at Invitae indicates that this missense variant is expected to disrupt NAGLU protein function.

NM_000263.4(NAGLU):c.818G>A (p.Cys273Tyr)

Gene: NAGLU (N-acetyl-alpha-glucosaminidase; plus strand). Cytogenetic location: 17q21.2.
Variant type: single nucleotide variant.
Coding change: c.818G>A on transcript NM_000263.4 (MANE Select); coding-DNA position 818, G replaced by A.
Protein change: p.Cys273Tyr; replaces cysteine 273 with tyrosine.
Molecular consequence: missense variant.
Genome position (GRCh38, 1-based): chr17:42,541,003, G>A. VCF-style: chr17-42541003-G-A. GRCh37 (hg19) VCF-style: chr17-40693021-G-A.
Other names: short protein forms C273Y.
Identifiers: ClinVar variation 2006504 (VCV002006504.4), dbSNP rs2510656357, ClinGen allele CA399599891.